The following is an entry in ClinVar:

ClinVar aggregate classification (germline): Uncertain significance. Review status: criteria provided, multiple submitters, no conflicts (2 of 4 stars). 2 submissions from 2 submitters: Uncertain significance (2). Last evaluated 2025-01-25.

Conditions:
Inborn genetic diseases. Identifiers: MedGen C0950123, MeSH D030342.
Fanconi anemia complementation group G. Also called: FANCG-Related Fanconi Anemia; Fanconi anemia group G. Identifiers: Orphanet 84, MedGen C3469527, MONDO:0013565, OMIM 614082.

Submissions (2):

Ambry Genetics
Classification: Uncertain significance for Inborn genetic diseases. Last evaluated: 2025-01-25. Review status: criteria provided, single submitter. Criteria: Ambry Variant Classification Scheme 2023. Collection method: clinical testing. Allele origin: germline.
Comment: The p.Q511R variant (also known as c.1532A>G), located in coding exon 12 of the FANCG gene, results from an A to G substitution at nucleotide position 1532. The glutamine at codon 511 is replaced by arginine, an amino acid with highly similar properties. This amino acid position is conserved. In addition, this alteration is predicted to be tolerated by in silico analysis. Based on the available evidence, the clinical significance of this variant remains unclear.

Fulgent Genetics
Classification: Uncertain significance for Fanconi anemia complementation group G. Last evaluated: 2024-01-02. Review status: criteria provided, single submitter. Criteria: ACMG Guidelines, 2015. Collection method: clinical testing. Allele origin: germline.

NM_004629.2(FANCG):c.1532A>G (p.Gln511Arg)

Gene: FANCG (FA complementation group G; minus strand). Cytogenetic location: 9p13.3.
Variant type: single nucleotide variant.
Coding change: c.1532A>G on transcript NM_004629.2 (MANE Select); coding-DNA position 1532, A replaced by G.
Protein change: p.Gln511Arg; replaces glutamine 511 with arginine.
Molecular consequence: missense variant.
Genome position (GRCh38, 1-based): chr9:35,075,031, T>C on the plus strand (A>G on the coding strand, the complement: FANCG is on the minus strand). VCF-style: chr9-35075031-T-C. GRCh37 (hg19) VCF-style: chr9-35075028-T-C.
Other names: short protein forms Q511R.
Identifiers: ClinVar variation 3597271 (VCV003597271.2).